The following is an entry in ClinVar:

NM_005219.5(DIAPH1):c.1681G>A (p.Glu561Lys)

Gene: DIAPH1 (diaphanous related formin 1; minus strand). Cytogenetic location: 5q31.3.
Variant type: single nucleotide variant.
Coding change: c.1681G>A on transcript NM_005219.5 (MANE Select); coding-DNA position 1681, G replaced by A.
Protein change: p.Glu561Lys; replaces glutamic acid 561 with lysine.
Molecular consequence: missense variant.
Genome position (GRCh38, 1-based): chr5:141,574,169, C>T on the plus strand (G>A on the coding strand, the complement: DIAPH1 is on the minus strand). VCF-style: chr5-141574169-C-T. GRCh37 (hg19) VCF-style: chr5-140953736-C-T.
Other names: c.1654G>A, p.Glu552Lys (NM_001079812.3); c.1681G>A, p.Glu561Lys (NM_001314007.2); short protein forms E552K, E561K.
Identifiers: ClinVar variation 1404992 (VCV001404992.8), dbSNP rs2154596316, ClinGen allele CA361522154.

ClinVar aggregate classification (germline): Uncertain significance (1 of 4 stars; one submission).

Conditions:
Autosomal dominant nonsyndromic hearing loss 1. Also called: KONIGSMARK SYNDROME; DEAFNESS, AUTOSOMAL DOMINANT 1, WITH OR WITHOUT THROMBOCYTOPENIA. Identifiers: Orphanet 90635, MedGen C1852282, MONDO:0007424, OMIM 124900.
Progressive microcephaly-seizures-cortical blindness-developmental delay syndrome. Also called: Seizures, cortical blindness, and microcephaly syndrome. Identifiers: Orphanet 477814, MedGen C5567650, MONDO:0014714, OMIM 616632.

Submission:

Labcorp Genetics (formerly Invitae), Labcorp
Classification: Uncertain significance for Progressive microcephaly-seizures-cortical blindness-developmental delay syndrome; Autosomal dominant nonsyndromic hearing loss 1. Last evaluated: 2022-10-17. Review status: criteria provided, single submitter. Criteria: Invitae Variant Classification Sherloc (09022015). Collection method: clinical testing. Allele origin: germline.
Comment: This variant is not present in population databases (gnomAD no frequency). In summary, the available evidence is currently insufficient to determine the role of this variant in disease. Therefore, it has been classified as a Variant of Uncertain Significance. Algorithms developed to predict the effect of missense changes on protein structure and function are either unavailable or do not agree on the potential impact of this missense change (SIFT: "Deleterious"; PolyPhen-2: "Not Available"; Align-GVGD: "Class C0"). ClinVar contains an entry for this variant (Variation ID: 1404992). This variant has not been reported in the literature in individuals affected with DIAPH1-related conditions. This sequence change replaces glutamic acid, which is acidic and polar, with lysine, which is basic and polar, at codon 561 of the DIAPH1 protein (p.Glu561Lys).